The following is an entry in ClinVar:

ClinVar aggregate classification (germline): Benign (1 of 4 stars; one submission).

Submission:

Laboratory for Molecular Medicine, Mass General Brigham Personalized Medicine
Classification: Benign. Last evaluated: 2016-03-29. Review status: criteria provided, single submitter. Criteria: LMM Criteria. Collection method: clinical testing. Allele origin: germline.
Comment: Variant identified in a genome or exome case(s) and assessed due to predicted null impact of the variant or pathogenic assertions in the literature or databases. Disclaimer: This variant has not undergone full assessment. The following are preliminary notes: Frequency

NM_014432.4(IL20RA):c.725-5del

Gene: IL20RA (interleukin 20 receptor subunit alpha; minus strand). Cytogenetic location: 6q23.3.
Variant type: Deletion.
Coding change: c.725-5del on transcript NM_014432.4 (MANE Select); 5 bases into the intron before coding-DNA position 725, one base deleted (T; older notation c.725-5delT).
Molecular consequence: intron variant.
Genome position (GRCh38, 1-based): chr6:137,004,765, A deleted on the plus strand (T on the coding strand, the reverse complement: IL20RA is on the minus strand); the first of 15 consecutive A bases (chr6:137,004,765-137,004,779); deleting any one gives the same sequence. VCF-style (leftmost placement, unchanged base first): chr6-137004764-TA-T. GRCh37 (hg19) VCF-style: chr6-137325901-TA-T.
Other names: c.326-5del (NM_001278724.4); c.392-5del (NM_001278723.3); c.578-5del (NM_001278722.2); c.725-5delT (NM_014432.3).
Identifiers: ClinVar variation 402974 (VCV000402974.4), dbSNP rs5880323, ClinGen allele CA4018281.
Genomic context (GRCh38, chr6:137,004,764, plus strand): 5'-TAGATACGGGCAAAACATACCAGAAGATGATTTTAGCCTTGAACTCTGATGATTGATCTG[TA>T]AAAAAAAAAAAAAAGGTGGGAATTCGGGGGAAGGGATTAGATAGTTGTGATTTGATGTGA-3'